The following is an entry in ClinVar:

ClinVar aggregate classification (germline): Likely benign (1 of 4 stars; one submission).

Submission:

CeGaT Center for Human Genetics Tuebingen
Classification: Likely benign. Last evaluated: 2022-09-01. Review status: criteria provided, single submitter. Criteria: CeGaT Center For Human Genetics Tuebingen Variant Classification Criteria Version 2. Collection method: clinical testing. Allele origin: germline. Affected: yes. Observed: 1 variant allele.
Comment: TTN: PM2:Supporting, BP4, BP7

NM_001267550.2(TTN):c.71367C>A (p.Thr23789=)

Genes: TTN (titin; minus strand), TTN-AS1 (TTN antisense RNA 1; plus strand). Cytogenetic location: 2q31.2.
Variant type: single nucleotide variant.
Coding change: c.71367C>A on transcript NM_001267550.2 (MANE Select); coding-DNA position 71367, C replaced by A.
Protein change: p.Thr23789=; no amino-acid change (threonine 23789 retained).
Molecular consequence: synonymous variant.
Genome position (GRCh38, 1-based): chr2:178,574,765, G>T on the plus strand (C>A on the coding strand, the complement: TTN is on the minus strand). VCF-style: chr2-178574765-G-T. GRCh37 (hg19) VCF-style: chr2-179439492-G-T.
Other names: c.66444C>A, p.Thr22148= (NM_001256850.1); c.44172C>A, p.Thr14724= (NM_003319.4); c.63663C>A, p.Thr21221= (NM_133378.4); c.44547C>A, p.Thr14849= (NM_133432.3); c.44748C>A, p.Thr14916= (NM_133437.4).
Identifiers: ClinVar variation 2651610 (VCV002651610.24), dbSNP rs2468644940, ClinGen allele CA430257523.
Genomic context (GRCh38, chr2:178,574,765, plus strand): 5'-AACTCCATATCTATTCTGAGCTTTTACACGGAACTGATACTCTAATCCAGTAGTAAGGCG[G>T]GTGGCTTTATAGGTAGTACGTATAACGGTGGTTGCTAACTCAACCCAGGTAGTACTGTCA-3'
Protein context (NP_001254479.2, residues 23779-23799): TTVIRTTYKA[Thr23789=]RLTTGLEYQF